The following is an entry in ClinVar:

NM_014284.3(NCDN):c.1297G>C (p.Glu433Gln)

Gene: NCDN (neurochondrin; plus strand). Cytogenetic location: 1p34.3.
Variant type: single nucleotide variant.
Coding change: c.1297G>C on transcript NM_014284.3 (MANE Select); coding-DNA position 1297, G replaced by C.
Protein change: p.Glu433Gln; replaces glutamic acid 433 with glutamine.
Molecular consequence: missense variant.
Genome position (GRCh38, 1-based): chr1:35,562,545, G>C. VCF-style: chr1-35562545-G-C. GRCh37 (hg19) VCF-style: chr1-36028146-G-C.
Other names: c.1297G>C, p.Glu433Gln (NM_001014839.2); c.1246G>C, p.Glu416Gln (NM_001014841.2); short protein forms E416Q, E433Q.
Identifiers: ClinVar variation 984912 (VCV000984912.4), dbSNP rs376408289, ClinGen allele CA339345943.
Genomic context (GRCh38, chr1:35,562,545, plus strand): 5'-GAGGTGTGCCAGCTGCTGCCCTTCCTCGTCCGCTATGCCAAGACCCTCTACGAGGAGGCC[G>C]AGGAGGCCAATGACCTTTCCCAGCAGGTGGCCAACCTGGCCATCTCCCCCACCACCCCAG-3'
Protein context (NP_055099.1, residues 423-443): RYAKTLYEEA[Glu433Gln]EANDLSQQVA

ClinVar aggregate classification (germline): Likely pathogenic. Review status: criteria provided, single submitter (1 of 4 stars). 2 submissions from 2 submitters: Likely pathogenic (1). 1 of the submissions does not count toward it. Last evaluated 2024-12-12.

Conditions:
Neurodevelopmental disorder with infantile epileptic spasms. Identifiers: MedGen C5543538, MONDO:0859162, OMIM 619373.

Submissions (2):

Research Group Niklas Dahl, Uppsala University
Classification: Likely pathogenic for Neurodevelopmental disorder with infantile epileptic spasms. Last evaluated: 2024-12-12. Review status: criteria provided, single submitter. Criteria: ACMG Guidelines, 2015. Collection method: research. Allele origin: germline. Affected: yes. Observed: 3 variant alleles.
Comment: We report on NCDN missense variants in six affected individuals from four families with variable degrees of developmental delay, intellectual disability (ID) and seizures. ACMG: Likely pathogenic 9 PM2_Supporting, PM3_Supporting, PS3, PP1_Strong, PP2, BP4_Moderate

OMIM
Classification: Uncertain significance for VARIANT OF UNKNOWN SIGNIFICANCE. Last evaluated: 2021-06-16. Review status: no assertion criteria provided. Collection method: literature only. Allele origin: germline. Not counted in ClinVar's aggregate classification.

Literature cited by the submitters: PubMed 33711248 (cited by Research Group Niklas Dahl, Uppsala University and OMIM).